The following is an entry in ClinVar:

NM_000090.4(COL3A1):c.1609-13T>A

Gene: COL3A1 (collagen type III alpha 1 chain; plus strand). Cytogenetic location: 2q32.2.
Variant type: single nucleotide variant.
Coding change: c.1609-13T>A on transcript NM_000090.4 (MANE Select); 13 bases into the intron before coding-DNA position 1609, T replaced by A.
Molecular consequence: intron variant.
Genome position (GRCh38, 1-based): chr2:188,996,112, T>A. VCF-style: chr2-188996112-T-A. GRCh37 (hg19) VCF-style: chr2-189860838-T-A.
Identifiers: ClinVar variation 3386452 (VCV003386452.1).

ClinVar aggregate classification (germline): Likely benign (1 of 4 stars; one submission).

Conditions:
Ehlers-Danlos syndrome, type 4 (EDSVASC). Also called: Ehlers-Danlos syndrome vascular type; Ehlers Danlos syndrome, ecchymotic type; Ehlers Danlos syndrome, arterial type; Ehlers Danlos syndrome, Sack-Barabas type; Ehlers-Danlos Syndrome Type IV. Identifiers: Orphanet 286, MedGen C0268338, MONDO:0017314, OMIM 130050.

gnomAD v4.1: 1 of 1,613,114 alleles (0.000062%); highest among the groups gnomAD compares: Non-Finnish European, 0.000085%; no homozygotes.

Submission:

All of Us Research Program, National Institutes of Health
Classification: Likely benign for Ehlers-Danlos syndrome, type 4. Last evaluated: 2024-07-29. Review status: criteria provided, single submitter. Criteria: ACMG Guidelines, 2015. Collection method: clinical testing. Allele origin: germline. Inheritance: Autosomal dominant inheritance. Observed: 1 variant allele, 1 heterozygote.
Comment: This study involves interpretation of variants in research participants for the purpose of population health screening. Participant phenotype was not available at the time of variant classification. Additional details can be found in publication PMID: 35346344, PMCID: PMC8962531